The following is an entry in ClinVar:

NM_001367624.2(ZNF469):c.9977C>A (p.Thr3326Asn)

Gene: ZNF469 (zinc finger protein 469; plus strand). Cytogenetic location: 16q24.2.
Variant type: single nucleotide variant.
Coding change: c.9977C>A on transcript NM_001367624.2 (MANE Select); coding-DNA position 9977, C replaced by A.
Protein change: p.Thr3326Asn; replaces threonine 3326 with asparagine.
Molecular consequence: missense variant.
Genome position (GRCh38, 1-based): chr16:88,437,447, C>A. VCF-style: chr16-88437447-C-A. GRCh37 (hg19) VCF-style: chr16-88503855-C-A.
Other names: NM_001127464.1:c.9893C>A; short protein forms T3326N.
Identifiers: ClinVar variation 916227 (VCV000916227.42), dbSNP rs1206417002, ClinGen allele CA397125359.
Genomic context (GRCh38, chr16:88,437,447, plus strand): 5'-GGACGACCCCCAGCCCGTCCCCCGACCCCTGGGCCGGCGGGGAGCCCCTCCTGCAAGCCA[C>A]CCCGGTGCACGAGGCCTGCAAGGACCCCTCCCGCGACTGCCACCACTGCGGGAAGCGCTT-3'
Protein context (NP_001354553.1, residues 3316-3336): WAGGEPLLQA[Thr3326Asn]PVHEACKDPS

ClinVar aggregate classification (germline): Uncertain significance. Review status: criteria provided, multiple submitters, no conflicts (2 of 4 stars). 2 submissions from 2 submitters: Uncertain significance (2). Last evaluated 2022-10-07.

Conditions:
Cardiovascular phenotype. Identifiers: MedGen CN230736.

Allele frequency attached by ClinVar (database versions not stated): gnomAD 0.00001; TOPMed 0.00002.
gnomAD v4.1: 6 of 1,526,454 alleles (0.00039%); highest among the groups gnomAD compares: South Asian, 0.0012%; no homozygotes.

Submissions (2):

Ambry Genetics
Classification: Uncertain significance for Cardiovascular phenotype. Last evaluated: 2022-10-07. Review status: criteria provided, single submitter. Criteria: Ambry Variant Classification Scheme 2023. Collection method: clinical testing. Allele origin: germline.
Comment: The p.T3298N variant (also known as c.9893C>A), located in coding exon 2 of the ZNF469 gene, results from a C to A substitution at nucleotide position 9893. The threonine at codon 3298 is replaced by asparagine, an amino acid with similar properties. This amino acid position is conserved. In addition, this alteration is predicted to be tolerated by in silico analysis. Since supporting evidence is limited at this time, the clinical significance of this alteration remains unclear.

CeGaT Center for Human Genetics Tuebingen
Classification: Uncertain significance. Last evaluated: 2020-02-01. Review status: criteria provided, single submitter. Criteria: CeGaT Center For Human Genetics Tuebingen Variant Classification Criteria Version 2. Collection method: clinical testing. Allele origin: germline. Affected: yes. Observed: 1 variant allele.